The following is an entry in ClinVar:

NM_001130438.3(SPTAN1):c.7365C>T (p.Asp2455=)

Gene: SPTAN1 (spectrin alpha, non-erythrocytic 1; plus strand). Cytogenetic location: 9q34.11.
Variant type: single nucleotide variant.
Coding change: c.7365C>T on transcript NM_001130438.3 (MANE Select); coding-DNA position 7365, C replaced by T.
Protein change: p.Asp2455=; no amino-acid change (aspartic acid 2455 retained).
Molecular consequence: synonymous variant.
Genome position (GRCh38, 1-based): chr9:128,633,265, C>T. VCF-style: chr9-128633265-C-T. GRCh37 (hg19) VCF-style: chr9-131395544-C-T.
Other names: p.D2455D:GAC>GAT; p.Asp2455=; c.7290C>T, p.Asp2430= (NM_001195532.2); c.7428C>T, p.Asp2476= (NM_001363759.2); c.7305C>T, p.Asp2435= (NM_001363765.2); c.7350C>T, p.Asp2450= (NM_003127.4).
Identifiers: ClinVar variation 139319 (VCV000139319.16), dbSNP rs142777123, ClinGen allele CA293763.

ClinVar aggregate classification (germline): Benign/Likely benign. Review status: criteria provided, multiple submitters, no conflicts (2 of 4 stars). 5 submissions from 5 submitters: Benign (3); Likely benign (2). Last evaluated 2025-09-08.

Conditions:
Early-infantile DEE. Also called: Early infantile epileptic encephalopathy; Ohtahara syndrome; Early infantile epileptic encephalopathy with suppression bursts. Identifiers: Orphanet 1934, MedGen C0393706, MONDO:0800491.
Inborn genetic diseases. Identifiers: MedGen C0950123, MeSH D030342.
Developmental and epileptic encephalopathy, 5 (DEE5). Identifiers: Orphanet 3451, MedGen C3150731, MONDO:0013277, OMIM 613477.

Allele frequency attached by ClinVar (database versions not stated): gnomAD exomes 0.00005 and 0.00010; ExAC 0.00007; TOPMed 0.00013; gnomAD 0.00018 and 0.00020; ESP Exome Variant Server 0.00023.
gnomAD v4.1: 99 of 1,613,970 alleles (0.0061%); highest among the groups gnomAD compares: African/African-American, 0.076%; 1 homozygote.

Submissions (5):

Labcorp Genetics (formerly Invitae), Labcorp
Classification: Likely benign for Early-infantile DEE. Last evaluated: 2025-09-08. Review status: criteria provided, single submitter. Criteria: Invitae Variant Classification Sherloc (09022015). Collection method: clinical testing. Allele origin: germline.

Mayo Clinic Laboratories, Mayo Clinic
Classification: Likely benign. Last evaluated: 2025-01-13. Review status: criteria provided, single submitter. Criteria: ACMG Guidelines, 2015. Collection method: clinical testing. Allele origin: germline. Observed: 1 variant allele.
Comment: BS2, BP4, BP7

Genome-Nilou Lab
Classification: Benign for Developmental and epileptic encephalopathy, 5. Last evaluated: 2021-07-15. Review status: criteria provided, single submitter. Criteria: ACMG Guidelines, 2015. Collection method: clinical testing. Allele origin: germline. Affected: no.

Ambry Genetics
Classification: Benign for Inborn genetic diseases. Last evaluated: 2018-11-12. Review status: criteria provided, single submitter. Criteria: Ambry Variant Classification Scheme 2023. Collection method: clinical testing. Allele origin: germline.

GeneDx
Classification: Benign. Last evaluated: 2013-05-02. Review status: criteria provided, single submitter. Criteria: GeneDx Variant Classification (06012015). Collection method: clinical testing. Allele origin: germline. Affected: yes.
Comment: This variant is considered likely benign or benign based on one or more of the following criteria: it is a conservative change, it occurs at a poorly conserved position in the protein, it is predicted to be benign by multiple in silico algorithms, and/or has population frequency not consistent with disease.